The following is an entry in ClinVar:

NM_181458.4(PAX3):c.232G>A (p.Val78Met)

Gene: PAX3 (paired box 3; minus strand). Cytogenetic location: 2q36.1.
Variant type: single nucleotide variant.
Coding change: c.232G>A on transcript NM_181458.4 (MANE Select); coding-DNA position 232, G replaced by A.
Protein change: p.Val78Met; replaces valine 78 with methionine.
Molecular consequence: missense variant.
Genome position (GRCh38, 1-based): chr2:222,297,067, C>T on the plus strand (G>A on the coding strand, the complement: PAX3 is on the minus strand). VCF-style: chr2-222297067-C-T. GRCh37 (hg19) VCF-style: chr2-223161786-C-T.
Other names: c.232G>A, p.Val78Met (NM_000438.6, NM_001127366.3, NM_013942.5 and 4 more transcripts); short protein forms V78M.
Identifiers: ClinVar variation 3353601 (VCV003353601.4).
Genomic context (GRCh38, chr2:222,297,067, plus strand): 5'-GACGTATGGAGCCAGTCTCCTGGTACCTGCACAGGATCTTGGAGACGCAGCCGTGGGACA[C>T]GCGCAGCTGGCGCGAGATGACGCAGGGCCGGATGCCGTGGTGGGCCATCTCCACGATCTT-3'
Protein context (NP_852123.1, residues 68-88): RPCVISRQLR[Val78Met]SHGCVSKILC

ClinVar aggregate classification (germline): Pathogenic/Likely pathogenic. Review status: criteria provided, multiple submitters, no conflicts (2 of 4 stars). 3 submissions from 3 submitters: Pathogenic (1); Likely pathogenic (1). 1 of the submissions does not count toward it. Last evaluated 2023-06-27.

Conditions:
Waardenburg syndrome type 1 (WS1). Also called: Waardenburg Syndrome Type I; WAARDENBURG SYNDROME WITH DYSTOPIA CANTHORUM. Identifiers: Orphanet 894, MedGen C1847800, MONDO:0008670, OMIM 193500.
PAX3-related disorder. Also called: PAX3-related condition.

Submissions (3):

Institute of Human Genetics, University of Leipzig Medical Center
Classification: Pathogenic for Waardenburg syndrome type 1. Last evaluated: 2023-06-27. Review status: criteria provided, single submitter. Criteria: ACMG Guidelines, 2015. Collection method: clinical testing. Allele origin: unknown. Inheritance: Autosomal dominant inheritance. Affected: yes.
Comment: Criteria applied: PM5_STR,PS4_MOD,PM1,PM2_SUP,PP3

Blueprint Genetics
Classification: Likely pathogenic for PAX3-related disorders. Last evaluated: 2019-06-20. Review status: criteria provided, single submitter. Criteria: ACMG Guidelines, 2015. Collection method: clinical testing. Allele origin: germline. Affected: yes. Observed: 1 variant allele.

PreventionGenetics, part of Exact Sciences
Classification: Likely pathogenic for PAX3-related condition. Last evaluated: 2024-03-30. Review status: no assertion criteria provided. Collection method: clinical testing. Allele origin: germline. Not counted in ClinVar's aggregate classification.
Comment: The PAX3 c.232G>A variant is predicted to result in the amino acid substitution p.Val78Met. This variant has been reported as causative in two patients with Waardenburg syndrome (Tassabehji et al 1995. PubMed ID: 8589691; Table S3, Li et al 2019. PubMed ID: 30936914). This variant has not been reported in a large population database, indicating this variant is rare. This variant is interpreted as likely pathogenic.